The following is an entry in ClinVar:

NM_001386393.1(PANK2):c.299-1G>A

Gene: PANK2 (pantothenate kinase 2; plus strand). Cytogenetic location: 20p13.
Variant type: single nucleotide variant.
Coding change: c.299-1G>A on transcript NM_001386393.1 (MANE Select); the canonical splice acceptor site of the intron before coding-DNA position 299, G replaced by A.
Molecular consequence: splice acceptor variant.
Genome position (GRCh38, 1-based): chr20:3,907,925, G>A. VCF-style: chr20-3907925-G-A. GRCh37 (hg19) VCF-style: chr20-3888572-G-A.
Other names: c.-245-1G>A (NM_024960.6, NM_001324191.2, NM_153640.4); c.629-1G>A (NM_153638.4, NM_001324192.1); c.-537-1G>A (NM_001324193.2).
Identifiers: ClinVar variation 2736937 (VCV002736937.4), dbSNP rs2515489381, ClinGen allele CA408112069.
Genomic context (GRCh38, chr20:3,907,925, plus strand): 5'-GTAAGGGTAAATTTAATTTTCAGAAAAAAGCTGTTCTGACTTATTTTTCTTCCCCATTTA[G>A]TTTTTCCATGGTTTGGACTGGATATCGGTGGAACTCTGGTCAAGCTGGTATATTTTGAAC-3'

ClinVar aggregate classification (germline): Likely pathogenic. Review status: criteria provided, multiple submitters, no conflicts (2 of 4 stars). 2 submissions from 2 submitters: Likely pathogenic (2). Last evaluated 2024-04-09.

Conditions:
Pigmentary pallidal degeneration (NBIA1). Also called: Neurodegeneration with brain iron accumulation 1; HARP SYNDROME; PKAN NEUROAXONAL DYSTROPHY, JUVENILE-ONSET; Pantothenate Kinase-Associated Neurodegeneration; Neuroaxonal dystrophy, late infantile; Hallervorden-Spatz disease. Identifiers: Orphanet 157850, MedGen C0018523, MONDO:0009319, OMIM 234200.

Submissions (2):

Fulgent Genetics
Classification: Likely pathogenic for Pigmentary pallidal degeneration. Last evaluated: 2024-04-09. Review status: criteria provided, single submitter. Criteria: ACMG Guidelines, 2015. Collection method: clinical testing. Allele origin: germline.

Labcorp Genetics (formerly Invitae), Labcorp
Classification: Likely pathogenic for Pigmentary pallidal degeneration. Last evaluated: 2023-09-24. Review status: criteria provided, single submitter. Criteria: Invitae Variant Classification Sherloc (09022015). Collection method: clinical testing. Allele origin: germline.
Comment: In summary, the currently available evidence indicates that the variant is pathogenic, but additional data are needed to prove that conclusively. Therefore, this variant has been classified as Likely Pathogenic. Algorithms developed to predict the effect of sequence changes on RNA splicing suggest that this variant may disrupt the consensus splice site. This variant is also known as IVS1-1G>A. Disruption of this splice site has been observed in individual(s) with clinical features of PANK2-related disease (PMID: 12510040). This variant is not present in population databases (gnomAD no frequency). This sequence change affects an acceptor splice site in intron 1 of the PANK2 gene. It is expected to disrupt RNA splicing. Variants that disrupt the donor or acceptor splice site typically lead to a loss of protein function (PMID: 16199547), and loss-of-function variants in PANK2 are known to be pathogenic (PMID: 11479594, 12510040).

Literature cited by the submitters: PubMed 12510040 (cited by Labcorp Genetics (formerly Invitae), Labcorp); PubMed 16199547 (cited by Labcorp Genetics (formerly Invitae), Labcorp); PubMed 11479594 (cited by Labcorp Genetics (formerly Invitae), Labcorp).